The following is an entry in ClinVar:

ClinVar aggregate classification (germline): Uncertain significance (1 of 4 stars; one submission).

Conditions:
Cardiovascular phenotype. Identifiers: MedGen CN230736.

gnomAD v4.1: 5 of 1,614,146 alleles (0.00031%); highest among the groups gnomAD compares: Non-Finnish European, 0.00034%; no homozygotes.

Submission:

Ambry Genetics
Classification: Uncertain significance for Cardiovascular phenotype. Last evaluated: 2019-12-10. Review status: criteria provided, single submitter. Criteria: Ambry Variant Classification Scheme 2023. Collection method: clinical testing. Allele origin: germline.
Comment: The p.P1675R variant (also known as c.5024C>G), located in coding exon 27 of the SCN10A gene, results from a C to G substitution at nucleotide position 5024. The proline at codon 1675 is replaced by arginine, an amino acid with dissimilar properties. This amino acid position is not well conserved in available vertebrate species. In addition, the in silico prediction for this alteration is inconclusive. Since supporting evidence is limited at this time, the clinical significance of this alteration remains unclear.

NM_006514.4(SCN10A):c.5024C>G (p.Pro1675Arg)

Gene: SCN10A (sodium voltage-gated channel alpha subunit 10; minus strand). Cytogenetic location: 3p22.2.
Variant type: single nucleotide variant.
Coding change: c.5024C>G on transcript NM_006514.4 (MANE Select); coding-DNA position 5024, C replaced by G.
Protein change: p.Pro1675Arg; replaces proline 1675 with arginine.
Molecular consequence: missense variant.
Genome position (GRCh38, 1-based): chr3:38,698,196, G>C on the plus strand (C>G on the coding strand, the complement: SCN10A is on the minus strand). VCF-style: chr3-38698196-G-C. GRCh37 (hg19) VCF-style: chr3-38739687-G-C.
Other names: c.5021C>G, p.Pro1674Arg (NM_001293306.2); c.4730C>G, p.Pro1577Arg (NM_001293307.2); short protein forms P1675R, P1674R, P1577R.
Identifiers: ClinVar variation 1744851 (VCV001744851.2), dbSNP rs564943632, ClinGen allele CA352154853.